The following is an entry in ClinVar:

NM_020699.4(GATAD2B):c.811G>T (p.Ala271Ser)

Gene: GATAD2B (GATA zinc finger domain containing 2B; minus strand). Cytogenetic location: 1q21.3.
Variant type: single nucleotide variant.
Coding change: c.811G>T on transcript NM_020699.4 (MANE Select); coding-DNA position 811, G replaced by T.
Protein change: p.Ala271Ser; replaces alanine 271 with serine.
Molecular consequence: missense variant.
Genome position (GRCh38, 1-based): chr1:153,817,461, C>A on the plus strand (G>T on the coding strand, the complement: GATAD2B is on the minus strand). VCF-style: chr1-153817461-C-A. GRCh37 (hg19) VCF-style: chr1-153789937-C-A.
Other names: short protein forms A271S.
Identifiers: ClinVar variation 3663626 (VCV003663626.2).

ClinVar aggregate classification (germline): Uncertain significance (1 of 4 stars; one submission).

Submission:

Labcorp Genetics (formerly Invitae), Labcorp
Classification: Uncertain significance. Last evaluated: 2024-08-28. Review status: criteria provided, single submitter. Criteria: Invitae Variant Classification Sherloc (09022015). Collection method: clinical testing. Allele origin: germline.
Comment: This sequence change replaces alanine, which is neutral and non-polar, with serine, which is neutral and polar, at codon 271 of the GATAD2B protein (p.Ala271Ser). This variant is not present in population databases (gnomAD no frequency). This variant has not been reported in the literature in individuals affected with GATAD2B-related conditions. Invitae Evidence Modeling of protein sequence and biophysical properties (such as structural, functional, and spatial information, amino acid conservation, physicochemical variation, residue mobility, and thermodynamic stability) indicates that this missense variant is not expected to disrupt GATAD2B protein function with a negative predictive value of 80%. In summary, the available evidence is currently insufficient to determine the role of this variant in disease. Therefore, it has been classified as a Variant of Uncertain Significance.